The following is an entry in ClinVar:

NM_005918.4(MDH2):c.479T>C (p.Val160Ala)

Gene: MDH2 (malate dehydrogenase 2; plus strand). Cytogenetic location: 7q11.23.
Variant type: single nucleotide variant.
Coding change: c.479T>C on transcript NM_005918.4 (MANE Select); coding-DNA position 479, T replaced by C.
Protein change: p.Val160Ala; replaces valine 160 with alanine.
Molecular consequence: missense variant. On other transcripts: intron variant (1).
Genome position (GRCh38, 1-based): chr7:76,060,422, T>C. VCF-style: chr7-76060422-T-C. GRCh37 (hg19) VCF-style: chr7-75689740-T-C.
Other names: c.479T>C (NM_005918.2); c.158T>C, p.Val53Ala (NM_001282404.2); c.429+2344T>C (NM_001282403.2); short protein forms V160A, V53A.
Identifiers: ClinVar variation 1974102 (VCV001974102.3), dbSNP rs369865193, ClinGen allele CA4305553.

ClinVar aggregate classification (germline): Uncertain significance. Review status: criteria provided, multiple submitters, no conflicts (2 of 4 stars). 2 submissions from 2 submitters: Uncertain significance (2). Last evaluated 2025-11-19.

Conditions:
Inborn genetic diseases. Identifiers: MedGen C0950123, MeSH D030342.

Allele frequency attached by ClinVar (database versions not stated): gnomAD exomes 0.00001; ExAC 0.00002; ESP Exome Variant Server 0.00008; gnomAD 0.00005; TOPMed 0.00005.

Submissions (2):

Ambry Genetics
Classification: Uncertain significance for Inborn genetic diseases. Last evaluated: 2025-11-19. Review status: criteria provided, single submitter. Criteria: Ambry Variant Classification Scheme 2023. Collection method: clinical testing. Allele origin: germline.

Labcorp Genetics (formerly Invitae), Labcorp
Classification: Uncertain significance. Last evaluated: 2022-04-08. Review status: criteria provided, single submitter. Criteria: Invitae Variant Classification Sherloc (09022015). Collection method: clinical testing. Allele origin: germline.
Comment: This sequence change replaces valine, which is neutral and non-polar, with alanine, which is neutral and non-polar, at codon 160 of the MDH2 protein (p.Val160Ala). This variant is present in population databases (rs369865193, gnomAD 0.01%). This variant has not been reported in the literature in individuals affected with MDH2-related conditions. Algorithms developed to predict the effect of missense changes on protein structure and function output the following: SIFT: "Tolerated"; PolyPhen-2: "Benign"; Align-GVGD: "Class C0". The alanine amino acid residue is found in multiple mammalian species, which suggests that this missense change does not adversely affect protein function. In summary, the available evidence is currently insufficient to determine the role of this variant in disease. Therefore, it has been classified as a Variant of Uncertain Significance.